The following is an entry in ClinVar:

ClinVar aggregate classification (germline): Conflicting classifications of pathogenicity. Review status: criteria provided, conflicting classifications (1 of 4 stars). 4 submissions from 4 submitters: Uncertain significance (3); Likely benign (1). Last evaluated 2025-12-08.

Conditions:
Familial cancer of breast. Also called: BREAST CANCER, FAMILIAL; hereditary breast carcinoma; Hereditary breast cancer. Identifiers: Orphanet 227535, MedGen C0346153, MONDO:0016419, OMIM 114480. Disease mechanism: loss of function.
Fanconi anemia complementation group J. Also called: BRIP1-Related Fanconi Anemia. Identifiers: Orphanet 84, MedGen C1836860, MONDO:0012187, OMIM 609054.
Hereditary cancer-predisposing syndrome. Also called: Hereditary Cancer Syndrome; Neoplastic Syndromes, Hereditary; Tumor predisposition; Hereditary neoplastic syndrome. Identifiers: Orphanet 140162, MedGen C0027672, MeSH D009386, MONDO:0015356.

Submissions (4):

Labcorp Genetics (formerly Invitae), Labcorp
Classification: Uncertain significance for Familial cancer of breast; Fanconi anemia complementation group J. Last evaluated: 2025-12-08. Review status: criteria provided, single submitter. Criteria: Invitae Variant Classification Sherloc (09022015). Collection method: clinical testing. Allele origin: germline.
Comment: This sequence change replaces valine, which is neutral and non-polar, with isoleucine, which is neutral and non-polar, at codon 516 of the BRIP1 protein (p.Val516Ile). This variant is not present in population databases (gnomAD no frequency). This variant has not been reported in the literature in individuals affected with BRIP1-related conditions. ClinVar contains an entry for this variant (Variation ID: 631024). Invitae Evidence Modeling of protein sequence and biophysical properties (such as structural, functional, and spatial information, amino acid conservation, physicochemical variation, residue mobility, and thermodynamic stability) indicates that this missense variant is not expected to disrupt BRIP1 protein function with a negative predictive value of 95%. In summary, the available evidence is currently insufficient to determine the role of this variant in disease. Therefore, it has been classified as a Variant of Uncertain Significance.

GeneDx
Classification: Uncertain significance. Last evaluated: 2024-02-16. Review status: criteria provided, single submitter. Criteria: GeneDx Variant Classification Process June 2021. Collection method: clinical testing. Allele origin: germline. Affected: yes.
Comment: Not observed at significant frequency in large population cohorts (gnomAD); In silico analysis supports that this missense variant does not alter protein structure/function; Has not been previously published as pathogenic or benign to our knowledge

Color Diagnostics, LLC DBA Color Health
Classification: Uncertain significance for Hereditary cancer-predisposing syndrome. Last evaluated: 2023-12-05. Review status: criteria provided, single submitter. Criteria: ACMG Guidelines, 2015. Collection method: clinical testing. Allele origin: germline.
Comment: This missense variant replaces valine with isoleucine at codon 516 of the BRIP1 protein. Computational prediction suggests that this variant may not impact protein structure and function (internally defined REVEL score threshold <= 0.5, PMID: 27666373). To our knowledge, functional studies have not been reported for this variant. This variant has not been reported in individuals affected with BRIP1-related disorders in the literature. This variant has not been identified in the general population by the Genome Aggregation Database (gnomAD). The available evidence is insufficient to determine the role of this variant in disease conclusively. Therefore, this variant is classified as a Variant of Uncertain Significance.

Ambry Genetics
Classification: Likely benign for Hereditary cancer-predisposing syndrome. Last evaluated: 2022-10-25. Review status: criteria provided, single submitter. Criteria: Ambry Variant Classification Scheme 2023. Collection method: clinical testing. Allele origin: germline.

NM_032043.3(BRIP1):c.1546G>A (p.Val516Ile)

Gene: BRIP1 (BRCA1 interacting DNA helicase 1; minus strand). Cytogenetic location: 17q23.2.
Variant type: single nucleotide variant.
Coding change: c.1546G>A on transcript NM_032043.3 (MANE Select); coding-DNA position 1546, G replaced by A.
Protein change: p.Val516Ile; replaces valine 516 with isoleucine.
Molecular consequence: missense variant.
Genome position (GRCh38, 1-based): chr17:61,784,352, C>T on the plus strand (G>A on the coding strand, the complement: BRIP1 is on the minus strand). VCF-style: chr17-61784352-C-T. GRCh37 (hg19) VCF-style: chr17-59861713-C-T.
Other names: short protein forms V516I.
Identifiers: ClinVar variation 631024 (VCV000631024.19), dbSNP rs1567816972, ClinGen allele CA400481212.